The following is an entry in ClinVar:

ClinVar aggregate classification (germline): Uncertain significance. Review status: criteria provided, multiple submitters, no conflicts (2 of 4 stars). 4 submissions from 4 submitters: Uncertain significance (4). Last evaluated 2025-11-01.

Conditions:
Familial thoracic aortic aneurysm and aortic dissection (TAAD). Also called: Thoracic aortic aneurysms and dissections. Identifiers: Orphanet 91387, MedGen C4707243, MONDO:0019625.
Ehlers-Danlos syndrome, type 4 (EDSVASC). Also called: Ehlers-Danlos Syndrome Type IV; Ehlers-Danlos syndrome vascular type; Ehlers Danlos syndrome, ecchymotic type; Ehlers Danlos syndrome, arterial type; Ehlers Danlos syndrome, Sack-Barabas type. Identifiers: Orphanet 286, MedGen C0268338, MONDO:0017314, OMIM 130050.

Allele frequency attached by ClinVar (database versions not stated): gnomAD exomes below 0.00001 and 0.00001.
gnomAD v4.1: 15 of 1,614,146 alleles (0.00093%); highest among the groups gnomAD compares: Non-Finnish European, 0.0012%; no homozygotes.

Submissions (4):

Labcorp Genetics (formerly Invitae), Labcorp
Classification: Uncertain significance for Ehlers-Danlos syndrome, type 4. Last evaluated: 2025-11-01. Review status: criteria provided, single submitter. Criteria: Invitae Variant Classification Sherloc (09022015). Collection method: clinical testing. Allele origin: germline.
Comment: This sequence change replaces valine, which is neutral and non-polar, with isoleucine, which is neutral and non-polar, at codon 1386 of the COL3A1 protein (p.Val1386Ile). This variant is present in population databases (no rsID available, gnomAD 0.0009%). This variant has not been reported in the literature in individuals affected with COL3A1-related conditions. ClinVar contains an entry for this variant (Variation ID: 920015). Invitae Evidence Modeling of protein sequence and biophysical properties (such as structural, functional, and spatial information, amino acid conservation, physicochemical variation, residue mobility, and thermodynamic stability) indicates that this missense variant is not expected to disrupt COL3A1 protein function with a negative predictive value of 95%. In summary, the available evidence is currently insufficient to determine the role of this variant in disease. Therefore, it has been classified as a Variant of Uncertain Significance.

Color Diagnostics, LLC DBA Color Health
Classification: Uncertain significance for Familial thoracic aortic aneurysm and aortic dissection. Last evaluated: 2024-03-06. Review status: criteria provided, single submitter. Criteria: ACMG Guidelines, 2015. Collection method: clinical testing. Allele origin: germline.
Comment: This missense variant replaces valine with isoleucine at codon 1386 of the COL3A1 protein. Computational prediction suggests that this variant may not impact protein structure and function (internally defined REVEL score threshold <= 0.5, PMID: 27666373). To our knowledge, functional studies have not been reported for this variant. This variant has not been reported in individuals affected with COL3A1-related disorders in the literature. This variant has been identified in 1/251290 chromosomes in the general population by the Genome Aggregation Database (gnomAD). The available evidence is insufficient to determine the role of this variant in disease conclusively. Therefore, this variant is classified as a Variant of Uncertain Significance.

All of Us Research Program, National Institutes of Health
Classification: Uncertain significance for Ehlers-Danlos syndrome, type 4. Last evaluated: 2023-09-04. Review status: criteria provided, single submitter. Criteria: ACMG Guidelines, 2015. Collection method: clinical testing. Allele origin: germline. Inheritance: Autosomal dominant inheritance. Observed: 2 variant alleles, 2 heterozygotes.
Comment: This missense variant replaces valine with isoleucine at codon 1386 of the COL3A1 protein. Computational prediction suggests that this variant may not impact protein structure and function (internally defined REVEL score threshold <= 0.5, PMID: 27666373). Splice site prediction tools suggest that this variant may not impact RNA splicing. To our knowledge, functional studies have not been performed for this variant. This variant has not been reported in individuals affected with cardiovascular disorders in the literature. This variant has been identified in 1/251290 chromosomes in the general population by the Genome Aggregation Database (gnomAD). The available evidence is insufficient to determine the role of this variant in disease conclusively. Therefore, this variant is classified as a Variant of Uncertain Significance.

This study involves interpretation of variants in research participants for the purpose of population health screening. Participant phenotype was not available at the time of variant classification. Additional details can be found in publication PMID: 35346344, PMCID: PMC8962531

Baylor Genetics
Classification: Uncertain significance for Ehlers-Danlos syndrome, type 4. Last evaluated: 2019-08-23. Review status: criteria provided, single submitter. Criteria: ACMG Guidelines, 2015. Collection method: clinical testing. Allele origin: unknown. Affected: yes.
Comment: This variant was determined to be of uncertain significance according to ACMG Guidelines, 2015 [PMID:25741868].

NM_000090.4(COL3A1):c.4156G>A (p.Val1386Ile)

Gene: COL3A1 (collagen type III alpha 1 chain; plus strand). Cytogenetic location: 2q32.2.
Variant type: single nucleotide variant.
Coding change: c.4156G>A on transcript NM_000090.4 (MANE Select); coding-DNA position 4156, G replaced by A.
Protein change: p.Val1386Ile; replaces valine 1386 with isoleucine.
Molecular consequence: missense variant.
Genome position (GRCh38, 1-based): chr2:189,010,792, G>A. VCF-style: chr2-189010792-G-A. GRCh37 (hg19) VCF-style: chr2-189875518-G-A.
Other names: short protein forms V1386I.
Identifiers: ClinVar variation 920015 (VCV000920015.9), dbSNP rs1158116878, ClinGen allele CA349849515.